The following is an entry in ClinVar:

ClinVar aggregate classification (germline): Pathogenic (1 of 4 stars; one submission).

Allele frequency attached by ClinVar (database versions not stated): gnomAD exomes below 0.00001.
gnomAD v4.1: 3 of 1,614,178 alleles (0.00019%); highest among the groups gnomAD compares: Non-Finnish European, 0.00017%; no homozygotes.

Submission:

Labcorp Genetics (formerly Invitae), Labcorp
Classification: Pathogenic. Last evaluated: 2024-05-15. Review status: criteria provided, single submitter. Criteria: Invitae Variant Classification Sherloc (09022015). Collection method: clinical testing. Allele origin: germline.
Comment: This sequence change creates a premature translational stop signal (p.Tyr15*) in the FBXL4 gene. It is expected to result in an absent or disrupted protein product. Loss-of-function variants in FBXL4 are known to be pathogenic (PMID: 23993193, 23993194, 25868664). This variant is not present in population databases (gnomAD no frequency). This variant has not been reported in the literature in individuals affected with FBXL4-related conditions. ClinVar contains an entry for this variant (Variation ID: 1454261). For these reasons, this variant has been classified as Pathogenic.

Literature cited by the submitters: PubMed 23993193; PubMed 23993194; PubMed 25868664.

NM_001278716.2(FBXL4):c.45T>G (p.Tyr15Ter)

Gene: FBXL4 (F-box and leucine rich repeat protein 4; minus strand). Cytogenetic location: 6q16.2.
Variant type: single nucleotide variant.
Coding change: c.45T>G on transcript NM_001278716.2 (MANE Select); coding-DNA position 45, T replaced by G.
Protein change: p.Tyr15Ter; replaces tyrosine 15 with a stop codon.
Molecular consequence: nonsense. On other transcripts: non-coding transcript variant (2).
Genome position (GRCh38, 1-based): chr6:98,926,944, A>C on the plus strand (T>G on the coding strand, the complement: FBXL4 is on the minus strand). VCF-style: chr6-98926944-A-C. GRCh37 (hg19) VCF-style: chr6-99374820-A-C.
Other names: c.45T>G, p.Tyr15Ter (NM_012160.5); short protein forms Y15*.
Identifiers: ClinVar variation 1454261 (VCV001454261.6), dbSNP rs372735676, ClinGen allele CA365092216.